The following is an entry in ClinVar:

ClinVar aggregate classification (germline): Likely pathogenic. Review status: criteria provided, single submitter (1 of 4 stars). 2 submissions from 2 submitters: Likely pathogenic (1). 1 of the submissions does not count toward it. Last evaluated 2025-08-05.

Conditions:
CFTR-related disorder (CFTR-RD). Also called: CFTR-related disorders; CFTR-related condition. Identifiers: MedGen C5924204, MONDO:7770004.
Cystic fibrosis (CF). Also called: MUCOVISCIDOSIS. Identifiers: Orphanet 586, MedGen C0010674, MONDO:0009061, OMIM 219700. Disease mechanism: loss of function.

Submissions (2):

Natera, Inc.
Classification: Likely pathogenic for CFTR-related disorders. Last evaluated: 2025-08-05. Review status: criteria provided, single submitter. Criteria: Natera Variant Classification Schema (03/2026). Collection method: clinical testing. Allele origin: germline.
Comment: The c.3278T>C variant in CFTR is a missense variant predicted to cause substitution of leucine to proline at amino acid 1093. This variant is rare in the general population with a frequency below the threshold expected for the associated phenotype(s). This variant has been observed in one or more individuals affected with the associated recessive disease, as either homozygous or compound heterozygous with a second variant (PMID: 10649505). Functional studies show that this variant may disrupt protein function (PMID: 38388235). Computational prediction algorithms indicate this variant is likely to affect gene or protein function. Given the available evidence, this variant is classified as Likely Pathogenic.

ClinVar Staff, National Center for Biotechnology Information (NCBI)
No classification provided. Condition: CFTR-related disorders. Review status: no classification provided. Collection method: literature only. Allele origin: germline. Affected: yes. Not counted in ClinVar's aggregate classification.

Literature cited by the submitters: PubMed 10649505 (cited by Natera, Inc.); PubMed 38388235 (cited by Natera, Inc.); PubMed 18456578 (cited by ClinVar Staff, National Center for Biotechnology Information (NCBI)).

NM_000492.4(CFTR):c.3278T>C (p.Leu1093Pro)

Genes: CFTR (CF transmembrane conductance regulator; plus strand), CFTR-AS2 (CFTR antisense RNA 2; minus strand), LOC111674472 (DNase I hypersensitive sites in introns 16 and 17a of CFTR; plus strand). Cytogenetic location: 7q31.2.
Variant type: single nucleotide variant.
Coding change: c.3278T>C on transcript NM_000492.4 (MANE Select); coding-DNA position 3278, T replaced by C.
Protein change: p.Leu1093Pro; replaces leucine 1093 with proline.
Molecular consequence: missense variant.
Genome position (GRCh38, 1-based): chr7:117,611,719, T>C. VCF-style: chr7-117611719-T-C. GRCh37 (hg19) VCF-style: chr7-117251773-T-C.
Other names: short protein forms L1093P.
Identifiers: ClinVar variation 53701 (VCV000053701.2), dbSNP rs397508527, ClinGen allele CA327121.
Genomic context (GRCh38, chr7:117,611,719, plus strand): 5'-ACTTTGAAACTCTGTTCCACAAAGCTCTGAATTTACATACTGCCAACTGGTTCTTGTACC[T>C]GTCAACACTGCGCTGGTTCCAAATGAGAATAGAAATGATTTTTGTCATCTTCTTCATTGC-3'
Protein context (NP_000483.3, residues 1083-1103): NLHTANWFLY[Leu1093Pro]STLRWFQMRI